The following is an entry in ClinVar:

ClinVar aggregate classification (germline): Likely benign (1 of 4 stars; one submission).

Allele frequency attached by ClinVar (database versions not stated): gnomAD 0.00005 and 0.00004; TOPMed 0.00005; gnomAD exomes 0.00006; ESP Exome Variant Server 0.00008; ExAC 0.00006.

Submission:

GeneDx
Classification: Likely benign. Last evaluated: 2018-01-12. Review status: criteria provided, single submitter. Criteria: GeneDx Variant Classification (06012015). Collection method: clinical testing. Allele origin: germline. Affected: yes.
Comment: This variant is considered likely benign or benign based on one or more of the following criteria: it is a conservative change, it occurs at a poorly conserved position in the protein, it is predicted to be benign by multiple in silico algorithms, and/or has population frequency not consistent with disease.

NM_005216.4(DDOST):c.-26C>A

Gene: DDOST (dolichyl-diphosphooligosaccharide--protein glycosyltransferase non-catalytic subunit; minus strand). Cytogenetic location: 1p36.12.
Variant type: single nucleotide variant.
Coding change: c.-26C>A on transcript NM_005216.4; 26 bases upstream of the start codon, C replaced by A.
Genome position (GRCh38, 1-based): chr1:20,661,427, G>T on the plus strand (C>A on the coding strand, the complement: DDOST is on the minus strand). VCF-style: chr1-20661427-G-T. GRCh37 (hg19) VCF-style: chr1-20987920-G-T.
Identifiers: ClinVar variation 514401 (VCV000514401.3), dbSNP rs374537960, ClinGen allele CA661414.